The following is an entry in ClinVar:

ClinVar aggregate classification (germline): Uncertain significance. Review status: criteria provided, multiple submitters, no conflicts (2 of 4 stars). 2 submissions from 2 submitters: Uncertain significance (2). Last evaluated 2023-08-29.

Allele frequency attached by ClinVar (database versions not stated): gnomAD exomes 0.00003 and 0.00009; ExAC 0.00005; ESP Exome Variant Server 0.00008; TOPMed 0.00009; gnomAD 0.00011; 1000 Genomes Project 30x 0.00016; 1000 Genomes Project 0.00020.
gnomAD v4.1: 143 of 1,614,174 alleles (0.0089%); highest among the groups gnomAD compares: Non-Finnish European, 0.012%; no homozygotes.

Submissions (2):

Women's Health and Genetics/Laboratory Corporation of America, LabCorp
Classification: Uncertain significance. Last evaluated: 2023-08-29. Review status: criteria provided, single submitter. Criteria: LabCorp Variant Classification Summary - May 2015. Collection method: clinical testing. Allele origin: germline.
Comment: Variant summary: SLC26A3 c.1193C>T (p.Ser398Phe) results in a non-conservative amino acid change located in the SLC26A/SulP transporter domain (IPR011547) of the encoded protein sequence. Five of five in-silico tools predict a damaging effect of the variant on protein function. The variant allele was found at a frequency of 3.2e-05 in 251068 control chromosomes. The available data on variant occurrences in the general population are insufficient to allow any conclusion about variant significance. c.1193C>T has been reported in the literature in individuals affected with Congenital secretory diarrhea, chloride type (Wedenoja_2011). This report does not provide unequivocal conclusions about association of the variant with Congenital secretory diarrhea, chloride type. To our knowledge, no experimental evidence demonstrating an impact on protein function has been reported. The following publication have been ascertained in the context of this evaluation (PMID: 21394828). One submitter has cited clinical-significance assessments for this variant to ClinVar after 2014 and has classified the variant as uncertain significance. Based on the evidence outlined above, the variant was classified as uncertain significance.

Labcorp Genetics (formerly Invitae), Labcorp
Classification: Uncertain significance. Last evaluated: 2022-03-14. Review status: criteria provided, single submitter. Criteria: Invitae Variant Classification Sherloc (09022015). Collection method: clinical testing. Allele origin: germline.
Comment: This sequence change replaces serine, which is neutral and polar, with phenylalanine, which is neutral and non-polar, at codon 398 of the SLC26A3 protein (p.Ser398Phe). This variant is present in population databases (rs143839547, gnomAD 0.007%). This missense change has been observed in individual(s) with congenital chloride diarrhea (PMID: 21394828). Advanced modeling of protein sequence and biophysical properties (such as structural, functional, and spatial information, amino acid conservation, physicochemical variation, residue mobility, and thermodynamic stability) performed at Invitae indicates that this missense variant is expected to disrupt SLC26A3 protein function. In summary, the available evidence is currently insufficient to determine the role of this variant in disease. Therefore, it has been classified as a Variant of Uncertain Significance.

Literature cited by the submitters: PubMed 21394828 (cited by Women's Health and Genetics/Laboratory Corporation of America, LabCorp and Labcorp Genetics (formerly Invitae), Labcorp).

NM_000111.3(SLC26A3):c.1193C>T (p.Ser398Phe)

Gene: SLC26A3 (solute carrier family 26 member 3; minus strand). Cytogenetic location: 7q22.3.
Variant type: single nucleotide variant.
Coding change: c.1193C>T on transcript NM_000111.3 (MANE Select); coding-DNA position 1193, C replaced by T.
Protein change: p.Ser398Phe; replaces serine 398 with phenylalanine.
Molecular consequence: missense variant.
Genome position (GRCh38, 1-based): chr7:107,783,020, G>A on the plus strand (C>T on the coding strand, the complement: SLC26A3 is on the minus strand). VCF-style: chr7-107783020-G-A. GRCh37 (hg19) VCF-style: chr7-107423465-G-A.
Other names: c.1193C>T (NM_000111.2); short protein forms S398F.
Identifiers: ClinVar variation 1448952 (VCV001448952.5), dbSNP rs143839547, ClinGen allele CA4433915.